The following is an entry in ClinVar:

ClinVar aggregate classification (germline): Uncertain significance (1 of 4 stars; one submission).

Conditions:
Brugada syndrome 8 (BRGDA8). Identifiers: Orphanet 130, MedGen C2751083, MONDO:0013148, OMIM 613123.

Allele frequency attached by ClinVar (database versions not stated): TOPMed below 0.00001.

Submission:

Labcorp Genetics (formerly Invitae), Labcorp
Classification: Uncertain significance for Brugada syndrome 8. Last evaluated: 2019-04-12. Review status: criteria provided, single submitter. Criteria: Invitae Variant Classification Sherloc (09022015). Collection method: clinical testing. Allele origin: germline.
Comment: This variant is not present in population databases (ExAC no frequency). This sequence change replaces arginine with glycine at codon 216 of the HCN4 protein (p.Arg216Gly). The arginine residue is moderately conserved and there is a moderate physicochemical difference between arginine and glycine. This variant has not been reported in the literature in individuals with HCN4-related conditions. In summary, the available evidence is currently insufficient to determine the role of this variant in disease. Therefore, it has been classified as a Variant of Uncertain Significance. Algorithms developed to predict the effect of missense changes on protein structure and function are either unavailable or do not agree on the potential impact of this missense change (SIFT: "Deleterious"; PolyPhen-2: "Not Available"; Align-GVGD: "Class C0").

NM_005477.3(HCN4):c.646C>G (p.Arg216Gly)

Gene: HCN4 (hyperpolarization activated cyclic nucleotide gated potassium channel 4; minus strand). Cytogenetic location: 15q24.1.
Variant type: single nucleotide variant.
Coding change: c.646C>G on transcript NM_005477.3 (MANE Select); coding-DNA position 646, C replaced by G.
Protein change: p.Arg216Gly; replaces arginine 216 with glycine.
Molecular consequence: missense variant.
Genome position (GRCh38, 1-based): chr15:73,367,625, G>C on the plus strand (C>G on the coding strand, the complement: HCN4 is on the minus strand). VCF-style: chr15-73367625-G-C. GRCh37 (hg19) VCF-style: chr15-73659966-G-C.
Other names: short protein forms R216G.
Identifiers: ClinVar variation 838216 (VCV000838216.9), dbSNP rs912161486, ClinGen allele CA393097365.